The following is an entry in ClinVar:

ClinVar aggregate classification (germline): Uncertain significance (1 of 4 stars; one submission).

Conditions:
Hereditary cancer-predisposing syndrome. Also called: Hereditary neoplastic syndrome; Neoplastic Syndromes, Hereditary; Tumor predisposition; Hereditary Cancer Syndrome. Identifiers: Orphanet 140162, MedGen C0027672, MeSH D009386, MONDO:0015356.

Submission:

Ambry Genetics
Classification: Uncertain significance for Hereditary cancer-predisposing syndrome. Last evaluated: 2025-02-15. Review status: criteria provided, single submitter. Criteria: Ambry Variant Classification Scheme 2023. Collection method: clinical testing. Allele origin: germline.
Comment: The p.N124I variant (also known as c.371A>T), located in coding exon 1 of the CDKN1B gene, results from an A to T substitution at nucleotide position 371. The asparagine at codon 124 is replaced by isoleucine, an amino acid with dissimilar properties. This amino acid position is conserved. In addition, this alteration is predicted to be tolerated by in silico analysis. Based on the available evidence, the clinical significance of this variant remains unclear.

NM_004064.5(CDKN1B):c.371A>T (p.Asn124Ile)

Gene: CDKN1B (cyclin dependent kinase inhibitor 1B; plus strand). Cytogenetic location: 12p13.1.
Variant type: single nucleotide variant.
Coding change: c.371A>T on transcript NM_004064.5 (MANE Select); coding-DNA position 371, A replaced by T.
Protein change: p.Asn124Ile; replaces asparagine 124 with isoleucine.
Molecular consequence: missense variant.
Genome position (GRCh38, 1-based): chr12:12,718,210, A>T. VCF-style: chr12-12718210-A-T. GRCh37 (hg19) VCF-style: chr12-12871144-A-T.
Other names: short protein forms N124I.
Identifiers: ClinVar variation 3830957 (VCV003830957.1).
Genomic context (GRCh38, chr12:12,718,210, plus strand): 5'-AGGAGAGCCAGGATGTCAGCGGGAGCCGCCCGGCGGCGCCTTTAATTGGGGCTCCGGCTA[A>T]CTCTGAGGACACGCATTTGGTGGACCCAAAGACTGATCCGTCGGACAGCCAGACGGGGTT-3'
Protein context (NP_004055.1, residues 114-134): PAAPLIGAPA[Asn124Ile]SEDTHLVDPK